The following is an entry in ClinVar:

NM_001297.5(CNGB1):c.1089GGA[6] (p.Glu371dup)

Gene: CNGB1 (cyclic nucleotide gated channel subunit beta 1; minus strand). Cytogenetic location: 16q21.
Variant type: Microsatellite.
Coding change: c.1089GGA[6] on transcript NM_001297.5 (MANE Select); six copies in a row of the 3-base unit GGA starting at c.1089; the reference has five copies in a row; one copy, 3 bases duplicated; also written c.1101_1103dup.
Protein change: p.Glu371dup; duplicates glutamic acid 371.
Molecular consequence: inframe insertion.
Genome position (GRCh38, 1-based): chr16:57,949,371-57,949,373, TCC duplicated on the plus strand (GGA on the coding strand, the reverse complement: CNGB1 is on the minus strand); duplicating any 3 consecutive bases within chr16:57,949,371-57,949,387 gives the same sequence; the position shown is the placement nearest the transcript's 3' end. VCF-style (leftmost placement, unchanged base first): chr16-57949370-T-TTCC. GRCh37 (hg19) VCF-style: chr16-57983274-T-TTCC.
Other names: c.1071GGA[6], p.Glu365dup (NM_001286130.2); c.1101_1103dup (NM_001297.4).
Identifiers: ClinVar variation 320099 (VCV000320099.18), dbSNP rs141566950, ClinGen allele CA201141.

ClinVar aggregate classification (germline): Benign. Review status: criteria provided, multiple submitters, no conflicts (2 of 4 stars). 2 submissions from 2 submitters: Benign (2). Last evaluated 2026-02-02.

Conditions:
Retinitis pigmentosa 45 (RP45). Identifiers: Orphanet 791, MedGen C3151066, MONDO:0013413, OMIM 613767.

Submissions (2):

Labcorp Genetics (formerly Invitae), Labcorp
Classification: Benign. Last evaluated: 2026-02-02. Review status: criteria provided, single submitter. Criteria: Invitae Variant Classification Sherloc (09022015). Collection method: clinical testing. Allele origin: germline.

Eurofins Ntd Llc (ga)
Classification: Benign. Last evaluated: 2014-05-14. Review status: criteria provided, single submitter. Criteria: EGL Classification Definitions. Collection method: clinical testing. Allele origin: germline. Observed: 4 variant alleles, 4 heterozygotes.